The following is an entry in ClinVar:

ClinVar aggregate classification (germline): Pathogenic (1 of 4 stars; one submission).

Allele frequency attached by ClinVar (database versions not stated): gnomAD exomes below 0.00001; TOPMed below 0.00001.

Submission:

Labcorp Genetics (formerly Invitae), Labcorp
Classification: Pathogenic. Last evaluated: 2024-12-23. Review status: criteria provided, single submitter. Criteria: Invitae Variant Classification Sherloc (09022015). Collection method: clinical testing. Allele origin: germline.
Comment: This sequence change creates a premature translational stop signal (p.Ile371Thrfs*12) in the CDH23 gene. It is expected to result in an absent or disrupted protein product. Loss-of-function variants in CDH23 are known to be pathogenic (PMID: 11138009, 21940737). This variant is not present in population databases (gnomAD no frequency). This premature translational stop signal has been observed in individual(s) with Usher syndrome (PMID: 12075507). ClinVar contains an entry for this variant (Variation ID: 1435906). For these reasons, this variant has been classified as Pathogenic.

Literature cited by the submitters: PubMed 11138009; PubMed 21940737; PubMed 12075507.

NM_022124.6(CDH23):c.1112del (p.Ile371fs)

Gene: CDH23 (cadherin related 23; plus strand). Cytogenetic location: 10q22.1.
Variant type: Deletion.
Coding change: c.1112del on transcript NM_022124.6 (MANE Select); coding-DNA position 1112, one base deleted (T; older notation c.1112delT).
Protein change: p.Ile371fs; shifts the reading frame from isoleucine 371.
Molecular consequence: frameshift variant.
Genome position (GRCh38, 1-based): chr10:71,617,371, T deleted. VCF-style (leftmost placement, unchanged base first): chr10-71617370-AT-A. GRCh37 (hg19) VCF-style: chr10-73377127-AT-A.
Other names: c.1112del, p.Ile371fs (NM_001171930.2, NM_001171931.2, NM_001171932.2 and 1 more transcripts); short protein forms I371fs.
Identifiers: ClinVar variation 1435906 (VCV001435906.6), dbSNP rs1861245902, ClinGen allele CA16021315.